The following is an entry in ClinVar:

NM_001267550.2(TTN):c.8056A>T (p.Ile2686Phe)

Gene: TTN (titin; minus strand). Cytogenetic location: 2q31.2.
Variant type: single nucleotide variant.
Coding change: c.8056A>T on transcript NM_001267550.2 (MANE Select); coding-DNA position 8056, A replaced by T.
Protein change: p.Ile2686Phe; replaces isoleucine 2686 with phenylalanine.
Molecular consequence: missense variant.
Genome position (GRCh38, 1-based): chr2:178,771,271, T>A on the plus strand (A>T on the coding strand, the complement: TTN is on the minus strand). VCF-style: chr2-178771271-T-A. GRCh37 (hg19) VCF-style: chr2-179635998-T-A.
Other names: c.8056A>T, p.Ile2686Phe (NM_001256850.1, NM_133378.4, NM_133379.5); c.7918A>T, p.Ile2640Phe (NM_003319.4, NM_133432.3, NM_133437.4); short protein forms I2640F, I2686F.
Identifiers: ClinVar variation 3364933 (VCV003364933.1).

ClinVar aggregate classification (germline): Uncertain significance (1 of 4 stars; one submission).

Submission:

GeneDx
Classification: Uncertain significance. Last evaluated: 2023-12-01. Review status: criteria provided, single submitter. Criteria: GeneDx Variant Classification Process June 2021. Collection method: clinical testing. Allele origin: germline. Affected: yes.
Comment: Not observed at significant frequency in large population cohorts (gnomAD); In silico analysis supports that this missense variant has a deleterious effect on protein structure/function; Has not been previously published as pathogenic or benign to our knowledge